The following is an entry in ClinVar:

NM_005585.5(SMAD6):c.521C>T (p.Thr174Ile)

Gene: SMAD6 (SMAD family member 6; plus strand). Cytogenetic location: 15q22.31.
Variant type: single nucleotide variant.
Coding change: c.521C>T on transcript NM_005585.5 (MANE Select); coding-DNA position 521, C replaced by T.
Protein change: p.Thr174Ile; replaces threonine 174 with isoleucine.
Molecular consequence: missense variant. On other transcripts: non-coding transcript variant (1).
Genome position (GRCh38, 1-based): chr15:66,703,779, C>T. VCF-style: chr15-66703779-C-T. GRCh37 (hg19) VCF-style: chr15-66996117-C-T.
Other names: short protein forms T174I.
Identifiers: ClinVar variation 2043289 (VCV002043289.4), dbSNP rs933487053, ClinGen allele CA271683073.
Genomic context (GRCh38, chr15:66,703,779, plus strand): 5'-GCGGCGGGCGGAGTCGCGAAGCGCGCTCGCGGCTGCTGCTGCTGGAGCAGGAACTCAAAA[C>T]CGTCACGTACTCGCTGCTGAAGCGGCTCAAGGAGCGCTCGCTGGACACGCTGCTGGAGGC-3'
Protein context (NP_005576.3, residues 164-184): RLLLLEQELK[Thr174Ile]VTYSLLKRLK

ClinVar aggregate classification (germline): Uncertain significance (1 of 4 stars; one submission).

Conditions:
Aortic valve disease 2 (AOVD2). Identifiers: MedGen C3542024, MONDO:0013902, OMIM 614823.

Allele frequency attached by ClinVar (database versions not stated): gnomAD 0.00006; TOPMed 0.00008.
gnomAD v4.1: 37 of 1,434,934 alleles (0.0026%); highest among the groups gnomAD compares: African/African-American, 0.012%; no homozygotes.

Submission:

Labcorp Genetics (formerly Invitae), Labcorp
Classification: Uncertain significance for Aortic valve disease 2. Last evaluated: 2025-10-01. Review status: criteria provided, single submitter. Criteria: Invitae Variant Classification Sherloc (09022015). Collection method: clinical testing. Allele origin: germline.
Comment: This sequence change replaces threonine, which is neutral and polar, with isoleucine, which is neutral and non-polar, at codon 174 of the SMAD6 protein (p.Thr174Ile). This variant is not present in population databases (gnomAD no frequency). This variant has not been reported in the literature in individuals affected with SMAD6-related conditions. ClinVar contains an entry for this variant (Variation ID: 2043289). Invitae Evidence Modeling of protein sequence and biophysical properties (such as structural, functional, and spatial information, amino acid conservation, physicochemical variation, residue mobility, and thermodynamic stability) indicates that this missense variant is not expected to disrupt SMAD6 protein function with a negative predictive value of 80%. In summary, the available evidence is currently insufficient to determine the role of this variant in disease. Therefore, it has been classified as a Variant of Uncertain Significance.